The following is an entry in ClinVar:

NM_198123.2(CSMD3):c.7634T>C (p.Val2545Ala)

Gene: CSMD3 (CUB and Sushi multiple domains 3; minus strand). Cytogenetic location: 8q23.3.
Variant type: single nucleotide variant.
Coding change: c.7634T>C on transcript NM_198123.2 (MANE Select); coding-DNA position 7634, T replaced by C.
Protein change: p.Val2545Ala; replaces valine 2545 with alanine.
Molecular consequence: missense variant.
Genome position (GRCh38, 1-based): chr8:112,313,968, A>G on the plus strand (T>C on the coding strand, the complement: CSMD3 is on the minus strand). VCF-style: chr8-112313968-A-G. GRCh37 (hg19) VCF-style: chr8-113326197-A-G.
Other names: c.7034T>C, p.Val2345Ala (NM_001363185.1); c.7322T>C, p.Val2441Ala (NM_052900.3); c.7514T>C, p.Val2505Ala (NM_198124.2); short protein forms V2345A, V2441A, V2505A, V2545A.
Identifiers: ClinVar variation 3049763 (VCV003049763.2), dbSNP rs1822230810, ClinGen allele CA371987858.

ClinVar aggregate classification (germline): Uncertain significance (0 of 4 stars; one submission).

Conditions:
CSMD3-related disorder. Also called: CSMD3-related condition.

Allele frequency attached by ClinVar (database versions not stated): gnomAD 0.00001; TOPMed 0.00001; gnomAD exomes 0.00002.
gnomAD v4.1: 28 of 1,611,584 alleles (0.0017%); highest among the groups gnomAD compares: African/African-American, 0.0027%; no homozygotes.

Submission:

PreventionGenetics, part of Exact Sciences
Classification: Uncertain significance for CSMD3-related condition. Last evaluated: 2024-01-29. Review status: no assertion criteria provided. Collection method: clinical testing. Allele origin: germline.
Comment: The CSMD3 c.7634T>C variant is predicted to result in the amino acid substitution p.Val2545Ala. To our knowledge, this variant has not been reported in the literature or in a large population database, indicating this variant is rare. At this time, the clinical significance of this variant is uncertain due to the absence of conclusive functional and genetic evidence.